The following is an entry in ClinVar:

ClinVar aggregate classification (germline): Likely benign. Review status: criteria provided, multiple submitters, no conflicts (2 of 4 stars). 3 submissions from 3 submitters: Likely benign (3). Last evaluated 2026-05-27.

Conditions:
RIPOR2-related disorder. Also called: RIPOR2-related condition.

Allele frequency attached by ClinVar (database versions not stated): gnomAD 0.00003 and 0.00006; gnomAD exomes 0.00003 and 0.00008; ExAC 0.00004; TOPMed 0.00008; 1000 Genomes Project 0.00060; 1000 Genomes Project 30x 0.00062.
gnomAD v4.1: 58 of 1,551,978 alleles (0.0037%); highest among the groups gnomAD compares: East Asian, 0.13%; no homozygotes.

Submissions (3):

PreventionGenetics, part of Exact Sciences
Classification: Likely benign for RIPOR2-related condition. Last evaluated: 2026-05-27. Review status: criteria provided, single submitter. Criteria: ACMG Guidelines, 2015. Collection method: clinical testing. Allele origin: germline.
Comment: This variant is classified as likely benign based on ACMG/AMP sequence variant interpretation guidelines (Richards et al. 2015 PMID: 25741868, with internal and published modifications).

Labcorp Genetics (formerly Invitae), Labcorp
Classification: Likely benign. Last evaluated: 2025-02-26. Review status: criteria provided, single submitter. Criteria: Invitae Variant Classification Sherloc (09022015). Collection method: clinical testing. Allele origin: germline.

GeneDx
Classification: Likely benign. Last evaluated: 2019-10-30. Review status: criteria provided, single submitter. Criteria: GeneDx Variant Classification Process June 2021. Collection method: clinical testing. Allele origin: germline. Affected: yes.

NM_001286445.3(RIPOR2):c.2685G>A (p.Leu895=)

Gene: RIPOR2 (RHO family interacting cell polarization regulator 2; minus strand). Cytogenetic location: 6p22.3.
Variant type: single nucleotide variant.
Coding change: c.2685G>A on transcript NM_001286445.3 (MANE Select); coding-DNA position 2685, G replaced by A.
Protein change: p.Leu895=; no amino-acid change (leucine 895 retained).
Molecular consequence: synonymous variant.
Genome position (GRCh38, 1-based): chr6:24,825,409, C>T on the plus strand (G>A on the coding strand, the complement: RIPOR2 is on the minus strand). VCF-style: chr6-24825409-C-T. GRCh37 (hg19) VCF-style: chr6-24825637-C-T.
Other names: c.2748G>A (NM_014722.4); c.2598G>A, p.Leu866= (NM_001346031.2, NM_001346032.2); c.2748G>A, p.Leu916= (NM_014722.5).
Identifiers: ClinVar variation 512250 (VCV000512250.6), dbSNP rs188800315, ClinGen allele CA3659080.
Genomic context (GRCh38, chr6:24,825,409, plus strand): 5'-GAGGTTGCTGGGAGCAAGGTCACTCATGGTTTGTAGCAGTTTTTCATCTCTTAGTGATTG[C>T]AGAGTCTGAACCATGGAAACTGGAGGGTAAGAAGGAAGGAGATTTCATGTTCTGACATGC-3'
Protein context (NP_001273374.1, residues 885-905): LARQVSMVQT[Leu895=]QSLRDEKLLQ